The following is an entry in ClinVar:

ClinVar aggregate classification (germline): Conflicting classifications of pathogenicity. Review status: criteria provided, conflicting classifications (1 of 4 stars). 4 submissions from 4 submitters: Likely pathogenic (2); Uncertain significance (2). Last evaluated 2025-09-17.

Conditions:
Enhanced S-cone syndrome (ESCS). Identifiers: Orphanet 53540, MedGen C1849394, MONDO:0100288, MONDO:0009989.
NR2E3-related disorder. Also called: NR2E3-related condition; NR2E3-related disorders. Identifiers: MedGen CN239387.
ENHANCED S-CONE SYNDROME 1 (ESCS1). Also called: RETINOSCHISIS WITH EARLY HEMERALOPIA; FAVRE HYALOIDEORETINAL DEGENERATION. Identifiers: MedGen CN380299, OMIM 268100.

Submissions (4):

Natera, Inc.
Classification: Likely pathogenic for Enhanced S cone syndrome. Last evaluated: 2025-09-17. Review status: criteria provided, single submitter. Criteria: Natera Variant Classification Schema (03/2026). Collection method: clinical testing. Allele origin: germline.
Comment: The c.1048C>G variant in NR2E3 is a missense variant predicted to cause substitution of glutamine to glutamic acid at amino acid 350. This variant is rare in the general population with a frequency below the threshold expected for the associated phenotype(s). This variant has been observed in one or more individuals affected with the associated recessive disease, as either homozygous or compound heterozygous with a second variant (PMID: 33138239, 36819107). A different variant at the same position has been determined to be Pathogenic or Likely Pathogenic. Computational prediction algorithms indicate this variant is likely to affect gene or protein function. Given the available evidence, this variant is classified as Likely Pathogenic.

Labcorp Genetics (formerly Invitae), Labcorp
Classification: Uncertain significance. Last evaluated: 2025-07-27. Review status: criteria provided, single submitter. Criteria: Invitae Variant Classification Sherloc (09022015). Collection method: clinical testing. Allele origin: germline.
Comment: This sequence change replaces glutamine, which is neutral and polar, with glutamic acid, which is acidic and polar, at codon 350 of the NR2E3 protein (p.Gln350Glu). This variant is present in population databases (rs750931603, gnomAD 0.007%). This missense change has been observed in individual(s) with autosomal recessive retinitis pigmentosa (PMID: 33138239, 36819107). Invitae Evidence Modeling of protein sequence and biophysical properties (such as structural, functional, and spatial information, amino acid conservation, physicochemical variation, residue mobility, and thermodynamic stability) has been performed for this missense variant. However, the output from this modeling did not meet the statistical confidence thresholds required to predict the impact of this variant on NR2E3 protein function. In summary, the available evidence is currently insufficient to determine the role of this variant in disease. Therefore, it has been classified as a Variant of Uncertain Significance.

3billion
Classification: Uncertain significance for ENHANCED S-CONE SYNDROME 1. Last evaluated: 2025-05-08. Review status: criteria provided, single submitter. Criteria: ACMG Guidelines, 2015. Collection method: clinical testing. Allele origin: germline. Affected: yes.
Comment: The variant is observed at an extremely low frequency in the gnomAD v4.1.0 dataset (total allele frequency: <0.001%). Predicted Consequence/Location: Missense variant The same nucleotide change resulting in the same amino acid change has been previously reported to be associated with NR2E3-related disorder (PMID: 33138239).A different missense change at the same codon (p.Gln350Arg) has been reported as pathogenic/likely pathogenic with strong evidence (ClinVar ID: VCV002137725 /PMID: 19139342). Therefore, this variant is classified as VUS according to the recommendation of ACMG/AMP guideline.

Blueprint Genetics
Classification: Likely pathogenic for NR2E3-related disorders. Last evaluated: 2022-06-23. Review status: criteria provided, single submitter. Criteria: ACMG Guidelines, 2015. Collection method: clinical testing. Allele origin: germline. Affected: yes. Observed: 1 variant allele.

Literature cited by the submitters: PubMed 33138239 (cited by 3 submitters); PubMed 36819107 (cited by Natera, Inc. and Labcorp Genetics (formerly Invitae), Labcorp); PubMed 19139342 (cited by 3billion).

NM_014249.4(NR2E3):c.1048C>G (p.Gln350Glu)

Gene: NR2E3 (nuclear receptor subfamily 2 group E member 3; plus strand). Cytogenetic location: 15q23.
Variant type: single nucleotide variant.
Coding change: c.1048C>G on transcript NM_014249.4 (MANE Select); coding-DNA position 1048, C replaced by G.
Protein change: p.Gln350Glu; replaces glutamine 350 with glutamic acid.
Molecular consequence: missense variant.
Genome position (GRCh38, 1-based): chr15:71,814,065, C>G. VCF-style: chr15-71814065-C-G. GRCh37 (hg19) VCF-style: chr15-72106406-C-G.
Other names: c.1048C>G (NM_014249.3); c.1048C>G, p.Gln350Glu (NM_016346.4); short protein forms Q350E.
Identifiers: ClinVar variation 4704708 (VCV004704708.4).